The following is an entry in ClinVar:

NM_001379110.1(SLC9A6):c.1316G>A (p.Gly439Asp)

Gene: SLC9A6 (solute carrier family 9 member A6; plus strand). Cytogenetic location: Xq26.3.
Variant type: single nucleotide variant.
Coding change: c.1316G>A on transcript NM_001379110.1 (MANE Select); coding-DNA position 1316, G replaced by A.
Protein change: p.Gly439Asp; replaces glycine 439 with aspartic acid.
Molecular consequence: missense variant.
Genome position (GRCh38, 1-based): chrX:136,024,339, G>A. VCF-style: chrX-136024339-G-A. GRCh37 (hg19) VCF-style: chrX-135106498-G-A.
Other names: c.1472G>A, p.Gly491Asp (NM_001042537.2); c.1316G>A, p.Gly439Asp (NM_001177651.2); c.1220G>A, p.Gly407Asp (NM_001330652.2); c.1376G>A, p.Gly459Asp (NM_006359.3); short protein forms G459D, G491D, G439D, G407D.
Identifiers: ClinVar variation 577815 (VCV000577815.3), dbSNP rs1569525357, ClinGen allele CA414754417.
Genomic context (GRCh38, chrX:136,024,339, plus strand): 5'-CTTGCATTGGTAATGAGTTATTGAAGAAATACCTTTTCTGTTCCCCTGTAGGCCTTCGTG[G>A]TGCAATGGCATTTGCCTTGGCCATTCGAGATACTGCCACTTATGCACGGCAAATGATGTT-3'
Protein context (NP_001366039.1, residues 429-449): QHMMMFAGLR[Gly439Asp]AMAFALAIRD

ClinVar aggregate classification (germline): Likely pathogenic (1 of 4 stars; one submission).

Conditions:
Christianson syndrome (MRXSCH). Also called: X-linked mental retardation, syndromic, Christianson type; INTELLECTUAL DEVELOPMENTAL DISORDER, X-LINKED, SYNDROMIC, CHRISTIANSON TYPE; SLC9A6-Related Syndromic Mental Retardation. Identifiers: Orphanet 85278, MedGen C2678194, MONDO:0010278, OMIM 300243.

Submission:

Labcorp Genetics (formerly Invitae), Labcorp
Classification: Likely pathogenic for Christianson syndrome. Last evaluated: 2019-01-20. Review status: criteria provided, single submitter. Criteria: Invitae Variant Classification Sherloc (09022015). Collection method: clinical testing. Allele origin: germline.
Comment: This sequence change replaces glycine with aspartic acid at codon 459 of the SLC9A6 protein (p.Gly459Asp). The glycine residue is highly conserved and there is a moderate physicochemical difference between glycine and aspartic acid. This variant is not present in population databases (ExAC no frequency). Algorithms developed to predict the effect of missense changes on protein structure and function are either unavailable or do not agree on the potential impact of this missense change (SIFT: "Tolerated"; PolyPhen-2: "Probably Damaging"; Align-GVGD: "Class C0"). In summary, the currently available evidence indicates that the variant is pathogenic, but additional data are needed to prove that conclusively. Therefore, this variant has been classified as Likely Pathogenic.